The following is an entry in ClinVar:

NM_001242896.3(DEPDC5):c.2989del (p.Arg997fs)

Gene: DEPDC5 (DEP domain containing 5, GATOR1 subcomplex subunit; plus strand). Cytogenetic location: 22q12.3.
Variant type: Deletion.
Coding change: c.2989del on transcript NM_001242896.3 (MANE Select); coding-DNA position 2989, one base deleted (C; older notation c.2989delC).
Protein change: p.Arg997fs; shifts the reading frame from arginine 997.
Molecular consequence: frameshift variant. On other transcripts: non-coding transcript variant (5).
Genome position (GRCh38, 1-based): chr22:31,845,205, C deleted. VCF-style (leftmost placement, unchanged base first): chr22-31845204-TC-T. GRCh37 (hg19) VCF-style: chr22-32241190-TC-T.
Other names: c.2962del, p.Arg988fs (NM_001136029.4, NM_001369903.1, NM_014662.6); c.2755del, p.Arg919fs (NM_001242897.2, NM_001363854.2, NM_001364319.2); c.2989del, p.Arg997fs (NM_001363852.2, NM_001364318.2, NM_001364320.2); c.2905del, p.Arg969fs (NM_001369901.1, NM_001369902.1); short protein forms R919fs, R969fs, R997fs, R988fs.
Identifiers: ClinVar variation 1370907 (VCV001370907.6), dbSNP rs2149024925, ClinGen allele CA2573158000.
Genomic context (GRCh38, chr22:31,845,204, plus strand): 5'-CGAGGACGAGTGGCAACTCCTGGATGGTTTTGTCCGCTTTGTGGAGGGCTTGAATCGCAT[TC>T]GCAGGCGGCATCGCTCGGATCGCATGATGCGGGTAAGGGCTCCTTAGACTCAGGGAGTGC-3'

ClinVar aggregate classification (germline): Pathogenic (1 of 4 stars; one submission).

Conditions:
Familial focal epilepsy with variable foci (FPEVF). Identifiers: Orphanet 98820, MedGen C1858477, MONDO:0020310.

Submission:

Labcorp Genetics (formerly Invitae), Labcorp
Classification: Pathogenic for Familial focal epilepsy with variable foci. Last evaluated: 2021-06-05. Review status: criteria provided, single submitter. Criteria: Invitae Variant Classification Sherloc (09022015). Collection method: clinical testing. Allele origin: germline.
Comment: For these reasons, this variant has been classified as Pathogenic. This variant has not been reported in the literature in individuals with DEPDC5-related conditions. This variant is not present in population databases (ExAC no frequency). This sequence change creates a premature translational stop signal (p.Arg997Alafs*9) in the DEPDC5 gene. It is expected to result in an absent or disrupted protein product. Loss-of-function variants in DEPDC5 are known to be pathogenic (PMID: 23542697, 23542701).

Literature cited by the submitters: PubMed 23542697; PubMed 23542701.